The following is an entry in ClinVar:

ClinVar aggregate classification (germline): Uncertain significance. Review status: criteria provided, multiple submitters, no conflicts (2 of 4 stars). 2 submissions from 2 submitters: Uncertain significance (2). Last evaluated 2025-06-06.

Conditions:
CLTC-related disorder. Also called: CLTC-related condition.

Submissions (2):

PreventionGenetics, part of Exact Sciences
Classification: Uncertain significance for CLTC-related condition. Last evaluated: 2025-06-06. Review status: criteria provided, single submitter. Criteria: ACMG Guidelines, 2015. Collection method: clinical testing. Allele origin: germline.
Comment: The CLTC c.3016A>T variant is predicted to result in the amino acid substitution p.Asn1006Tyr. To our knowledge, this variant has not been reported in the literature or in a large population database (gnomAD), indicating this variant is rare. At this time, the clinical significance of this variant is uncertain due to the absence of conclusive functional and genetic evidence.

Labcorp Genetics (formerly Invitae), Labcorp
Classification: Uncertain significance. Last evaluated: 2022-08-21. Review status: criteria provided, single submitter. Criteria: Invitae Variant Classification Sherloc (09022015). Collection method: clinical testing. Allele origin: germline.
Comment: This sequence change replaces asparagine, which is neutral and polar, with tyrosine, which is neutral and polar, at codon 1006 of the CLTC protein (p.Asn1006Tyr). This variant is not present in population databases (gnomAD no frequency). This variant has not been reported in the literature in individuals affected with CLTC-related conditions. Algorithms developed to predict the effect of missense changes on protein structure and function are either unavailable or do not agree on the potential impact of this missense change (SIFT: "Tolerated"; PolyPhen-2: "Not Available"; Align-GVGD: "Class C0"). In summary, the available evidence is currently insufficient to determine the role of this variant in disease. Therefore, it has been classified as a Variant of Uncertain Significance.

NM_004859.4(CLTC):c.3004A>T (p.Asn1002Tyr)

Gene: CLTC (clathrin heavy chain; plus strand). Cytogenetic location: 17q23.1.
Variant type: single nucleotide variant.
Coding change: c.3004A>T on transcript NM_004859.4 (MANE Select); coding-DNA position 3004, A replaced by T.
Protein change: p.Asn1002Tyr; replaces asparagine 1002 with tyrosine.
Molecular consequence: missense variant.
Genome position (GRCh38, 1-based): chr17:59,680,996, A>T. VCF-style: chr17-59680996-A-T. GRCh37 (hg19) VCF-style: chr17-57758357-A-T.
Other names: c.3016A>T (NM_001288653.1); c.3016A>T, p.Asn1006Tyr (NM_001288653.2); short protein forms N1002Y, N1006Y.
Identifiers: ClinVar variation 2014110 (VCV002014110.5), dbSNP rs2509150012, ClinGen allele CA400416772.